The following is an entry in ClinVar:

ClinVar aggregate classification (germline): Uncertain significance (1 of 4 stars; one submission).

Submission:

Women's Health and Genetics/Laboratory Corporation of America, LabCorp
Classification: Uncertain significance. Last evaluated: 2024-05-06. Review status: criteria provided, single submitter. Criteria: LabCorp Variant Classification Summary - May 2015. Collection method: clinical testing. Allele origin: germline.
Comment: Variant summary: The variant involves the duplication of exons 1-13 in the CEP85L gene. A presumed nomenclature of c.(?_-323)_(*4634_?)dup has been designated for the purposes of this classification. This duplication includes the entire coding sequence of the gene. As exact breakpoints are unknown, it may extend beyond the annotated region of the gene, to include other flanking genes. A large duplication which encompasses the entire gene (together with flanking DNA regions; Size: 369 kbp) was found at a frequency of 6.6e-05 in 120758 control chromosomes in the gnomAD database (Structural Variants v4.0 dataset). The available data on variant occurrences in the general population are insufficient to allow any conclusion about variant significance. To our knowledge, no occurrence of c.(?_-323)_(*4634_?)dup in individuals affected with Lissencephaly 10 and no experimental evidence demonstrating its impact on protein function have been reported. ClinVar contains multiple entries for similar variants (Variation ID: 3024638). Based on the evidence outlined above, the variant was classified as uncertain significance.

NC_000006.11:g.(?_118781934)_(118972755_?)dup

Genes: CEP85L (centrosomal protein 85 like; minus strand), PLN (phospholamban; plus strand). Cytogenetic location: 6q22.31.
Variant type: Duplication.
Identifiers: ClinVar variation 3336147 (VCV003336147.1).